The following is an entry in ClinVar:

NM_001378183.1(PIEZO2):c.7222T>C (p.Trp2408Arg)

Gene: PIEZO2 (piezo type mechanosensitive ion channel component 2; minus strand). Cytogenetic location: 18p11.22.
Variant type: single nucleotide variant.
Coding change: c.7222T>C on transcript NM_001378183.1 (MANE Select); coding-DNA position 7222, T replaced by C.
Protein change: p.Trp2408Arg; replaces tryptophan 2408 with arginine.
Molecular consequence: missense variant.
Genome position (GRCh38, 1-based): chr18:10,691,352, A>G on the plus strand (T>C on the coding strand, the complement: PIEZO2 is on the minus strand). VCF-style: chr18-10691352-A-G. GRCh37 (hg19) VCF-style: chr18-10691350-A-G.
Other names: c.6958T>C, p.Trp2320Arg (NM_001410871.1); c.6883T>C, p.Trp2295Arg (NM_022068.4); short protein forms W2295R, W2320R, W2408R.
Identifiers: ClinVar variation 3345071 (VCV003345071.1).

ClinVar aggregate classification (germline): Likely pathogenic (0 of 4 stars; one submission).

Conditions:
PIEZO2-related disorder. Also called: PIEZO2-related condition; PIEZO2-related disorders.

Submission:

PreventionGenetics, part of Exact Sciences
Classification: Likely pathogenic for PIEZO2-related condition. Last evaluated: 2024-05-10. Review status: no assertion criteria provided. Collection method: clinical testing. Allele origin: germline.
Comment: The PIEZO2 c.6883T>C variant is predicted to result in the amino acid substitution p.Trp2295Arg. To our knowledge, this variant has not been reported in the literature or in a large population database, indicating this variant is rare. This variant is interpreted as likely pathogenic.